The following is an entry in ClinVar:

NM_002299.4(LCT):c.4123G>A (p.Gly1375Arg)

Gene: LCT (lactase; minus strand). Cytogenetic location: 2q21.3.
Variant type: single nucleotide variant.
Coding change: c.4123G>A on transcript NM_002299.4 (MANE Select); coding-DNA position 4123, G replaced by A.
Protein change: p.Gly1375Arg; replaces glycine 1375 with arginine.
Molecular consequence: missense variant.
Genome position (GRCh38, 1-based): chr2:135,807,178, C>T on the plus strand (G>A on the coding strand, the complement: LCT is on the minus strand). VCF-style: chr2-135807178-C-T. GRCh37 (hg19) VCF-style: chr2-136564748-C-T.
Other names: short protein forms G1375R.
Identifiers: ClinVar variation 2847872 (VCV002847872.2), dbSNP rs201459953, ClinGen allele CA56611450.
Genomic context (GRCh38, chr2:135,807,178, plus strand): 5'-AACTCCTCACCTGATATGCAGCAGAAGCTGCACTCCAGATGAAGCCCTCAGGAAACCGTC[C>T]GTACAGAAACTCATCCTCCCTGGCCAGTGGCATGCCGTTGTTGGTAATGACCTCTGTGTA-3'
Protein context (NP_002290.2, residues 1365-1385): PLAREDEFLY[Gly1375Arg]RFPEGFIWSA

ClinVar aggregate classification (germline): Uncertain significance. Review status: criteria provided, multiple submitters, no conflicts (2 of 4 stars). 2 submissions from 2 submitters: Uncertain significance (2). Last evaluated 2025-10-22.

Conditions:
Inborn genetic diseases. Identifiers: MedGen C0950123, MeSH D030342.

Allele frequency attached by ClinVar (database versions not stated): gnomAD exomes below 0.00001; TOPMed 0.00001.
gnomAD v4.1: 5 of 1,614,192 alleles (0.00031%); highest among the groups gnomAD compares: Non-Finnish European, 0.00042%; no homozygotes.

Submissions (2):

Ambry Genetics
Classification: Uncertain significance for Inborn genetic diseases. Last evaluated: 2025-10-22. Review status: criteria provided, single submitter. Criteria: Ambry Variant Classification Scheme 2023. Collection method: clinical testing. Allele origin: germline.

Labcorp Genetics (formerly Invitae), Labcorp
Classification: Uncertain significance. Last evaluated: 2023-08-02. Review status: criteria provided, single submitter. Criteria: Invitae Variant Classification Sherloc (09022015). Collection method: clinical testing. Allele origin: germline.
Comment: In summary, the available evidence is currently insufficient to determine the role of this variant in disease. Therefore, it has been classified as a Variant of Uncertain Significance. Advanced modeling of protein sequence and biophysical properties (such as structural, functional, and spatial information, amino acid conservation, physicochemical variation, residue mobility, and thermodynamic stability) has been performed at Invitae for this missense variant, however the output from this modeling did not meet the statistical confidence thresholds required to predict the impact of this variant on LCT protein function. This variant has not been reported in the literature in individuals affected with LCT-related conditions. This variant is not present in population databases (gnomAD no frequency). This sequence change replaces glycine, which is neutral and non-polar, with arginine, which is basic and polar, at codon 1375 of the LCT protein (p.Gly1375Arg).